The following is an entry in ClinVar:

ClinVar aggregate classification (germline): Benign. Review status: criteria provided, multiple submitters, no conflicts (2 of 4 stars). 11 submissions from 11 submitters: Benign (9). 2 of the submissions do not count toward it. Last evaluated 2026-02-04.

Conditions:
Primary hypomagnesemia (HOMG3). Also called: HYPOMAGNESEMIA, FAMILIAL, WITH HYPERCALCIURIA AND NEPHROCALCINOSIS; HYPOMAGNESEMIA, ISOLATED RENAL; HYPOMAGNESEMIA, PRIMARY, DUE TO DEFECT IN RENAL TUBULAR TRANSPORT OF MAGNESIUM; HYPOMAGNESEMIA 3, RENAL. Identifiers: Orphanet 31043, MedGen C0268448, MONDO:0009550, OMIM 248250.

Allele frequency attached by ClinVar (database versions not stated): 1000 Genomes Project 0.11721; 1000 Genomes Project 30x 0.12008; TOPMed 0.17250; gnomAD 0.18612 and 0.18734; gnomAD exomes 0.19312; ESP Exome Variant Server 0.19368; ExAC 0.19493.
gnomAD v4.1: 352,082 of 1,612,088 alleles (22%); highest among the groups gnomAD compares: Middle Eastern, 27%; 41,175 homozygotes.

Submissions (11):

Labcorp Genetics (formerly Invitae), Labcorp
Classification: Benign. Last evaluated: 2026-02-04. Review status: criteria provided, single submitter. Criteria: Invitae Variant Classification Sherloc (09022015). Collection method: clinical testing. Allele origin: germline.

Blueprint Genetics
Classification: Benign. Last evaluated: 2024-11-26. Review status: criteria provided, single submitter. Criteria: ACMG Guidelines, 2015. Collection method: clinical testing. Allele origin: germline.

Mayo Clinic Laboratories, Mayo Clinic
Classification: Benign. Last evaluated: 2022-03-09. Review status: criteria provided, single submitter. Criteria: ACMG Guidelines, 2015. Collection method: clinical testing. Allele origin: germline. Observed: 56 variant alleles.

Genome-Nilou Lab
Classification: Benign for Primary hypomagnesemia. Last evaluated: 2021-07-22. Review status: criteria provided, single submitter. Criteria: ACMG Guidelines, 2015. Collection method: clinical testing. Allele origin: germline. Affected: no.

GeneDx
Classification: Benign. Last evaluated: 2018-11-11. Review status: criteria provided, single submitter. Criteria: GeneDx Variant Classification Process June 2021. Collection method: clinical testing. Allele origin: germline. Affected: yes.

Illumina Laboratory Services, Illumina
Classification: Benign for Primary hypomagnesemia. Last evaluated: 2018-01-13. Review status: criteria provided, single submitter. Criteria: ICSL Variant Classification Criteria 13 December 2019. Collection method: clinical testing. Allele origin: germline.
Comment: This variant was observed in the ICSL laboratory as part of a predisposition screen in an ostensibly healthy population. It had not been previously curated by ICSL or reported in the Human Gene Mutation Database (HGMD: prior to June 1st, 2018), and was therefore a candidate for classification through an automated scoring system. Utilizing variant allele frequency, disease prevalence and penetrance estimates, and inheritance mode, an automated score was calculated to assess if this variant is too frequent to cause the disease. Based on the score and internal cut-off values, a variant classified as benign is not then subjected to further curation. The score for this variant resulted in a classification of benign for this disease.

Laboratory for Molecular Medicine, Mass General Brigham Personalized Medicine
Classification: Benign. Last evaluated: 2016-03-21. Review status: criteria provided, single submitter. Criteria: LMM Criteria. Collection method: clinical testing. Allele origin: germline. Observed: 1 variant allele.
Comment: c.324+10T>C in intron 1 of CLDN16: This variant is not expected to have clinical significance because it is not located within the splice consensus sequence and has been identified in 25.12% (16730/66596) of European chromosomes by the Exom e Aggregation Consortium (ExAC; dbSNP rs1491994) .

Breakthrough Genomics
Classification: Benign. Review status: criteria provided, single submitter. Criteria: ACMG Guidelines, 2015. Collection method: not provided. Allele origin: germline. Inheritance: Autosomal recessive inheritance. Affected: yes.

PreventionGenetics, part of Exact Sciences
Classification: Benign. Review status: criteria provided, single submitter. Criteria: ACMG Guidelines, 2015. Collection method: clinical testing. Allele origin: germline.

Genome Diagnostics Laboratory, University Medical Center Utrecht
Classification: Benign. Review status: no assertion criteria provided. Collection method: clinical testing. Allele origin: germline. Affected: yes. Study: VKGL Data-share Consensus. Not counted in ClinVar's aggregate classification.

Joint Genome Diagnostic Labs from Nijmegen and Maastricht, Radboudumc and MUMC+
Classification: Benign. Review status: no assertion criteria provided. Collection method: clinical testing. Allele origin: germline. Affected: yes. Study: VKGL Data-share Consensus. Not counted in ClinVar's aggregate classification.

NM_006580.4(CLDN16):c.114+10T>C

Gene: CLDN16 (claudin 16; plus strand). Cytogenetic location: 3q28.
Variant type: single nucleotide variant.
Coding change: c.114+10T>C on transcript NM_006580.4 (MANE Select); 10 bases into the intron after coding-DNA position 114, T replaced by C.
Molecular consequence: intron variant.
Genome position (GRCh38, 1-based): chr3:190,388,453, T>C. VCF-style: chr3-190388453-T-C. GRCh37 (hg19) VCF-style: chr3-190106242-T-C.
Other names: p.?; c.114+10T>C (NM_001378492.1, NM_001378493.1).
Identifiers: ClinVar variation 260004 (VCV000260004.26), dbSNP rs1491994, ClinGen allele CA2753743.